The following is an entry in ClinVar:

ClinVar aggregate classification (germline): Likely pathogenic (1 of 4 stars; one submission).

Conditions:
Ornithine carbamoyltransferase deficiency (OTCD). Also called: ORNITHINE TRANSCARBAMYLASE DEFICIENCY; ORNITHINE TRANSCARBAMYLASE DEFICIENCY, HYPERAMMONEMIA DUE TO; OTC DEFICIENCY; Ornithine Carbamoyltransferase Deficiency Disease. Identifiers: Orphanet 664, MedGen C0268542, MONDO:0010703, OMIM 311250.

Submission:

Labcorp Genetics (formerly Invitae), Labcorp
Classification: Likely pathogenic for Ornithine carbamoyltransferase deficiency. Last evaluated: 2022-05-12. Review status: criteria provided, single submitter. Criteria: Invitae Variant Classification Sherloc (09022015). Collection method: clinical testing. Allele origin: germline.
Comment: This sequence change replaces histidine, which is basic and polar, with proline, which is neutral and non-polar, at codon 117 of the OTC protein (p.His117Pro). This variant is not present in population databases (gnomAD no frequency). This missense change has been observed in individual(s) with ornithine transcarbamylase (OTC) deficiency (PMID: 33851512). Advanced modeling of protein sequence and biophysical properties (such as structural, functional, and spatial information, amino acid conservation, physicochemical variation, residue mobility, and thermodynamic stability) performed at Invitae indicates that this missense variant is expected to disrupt OTC protein function. This variant disrupts the p.His117 amino acid residue in OTC. Other variant(s) that disrupt this residue have been observed in individuals with OTC-related conditions (PMID: 8019569, 33851512), which suggests that this may be a clinically significant amino acid residue. In summary, the currently available evidence indicates that the variant is pathogenic, but additional data are needed to prove that conclusively. Therefore, this variant has been classified as Likely Pathogenic.

Literature cited by the submitters: PubMed 33851512; PubMed 8019569.

NM_000531.6(OTC):c.350A>C (p.His117Pro)

Gene: OTC (ornithine transcarbamylase; plus strand). Cytogenetic location: Xp11.4.
Variant type: single nucleotide variant.
Coding change: c.350A>C on transcript NM_000531.6 (MANE Select); coding-DNA position 350, A replaced by C.
Protein change: p.His117Pro; replaces histidine 117 with proline.
Molecular consequence: missense variant.
Genome position (GRCh38, 1-based): chrX:38,381,393, A>C. VCF-style: chrX-38381393-A-C. GRCh37 (hg19) VCF-style: chrX-38240646-A-C.
Other names: c.350A>C, p.His117Pro (NM_001407092.1); short protein forms H117P.
Identifiers: ClinVar variation 2099211 (VCV002099211.4), dbSNP rs66539573, ClinGen allele CA412718422.